The following is an entry in ClinVar:

ClinVar aggregate classification (germline): Benign/Likely benign. Review status: criteria provided, multiple submitters, no conflicts (2 of 4 stars). 3 submissions from 3 submitters: Benign (1); Likely benign (2). Last evaluated 2025-09-25.

Conditions:
Hereditary cancer-predisposing syndrome. Also called: Neoplastic Syndromes, Hereditary; Tumor predisposition; Hereditary neoplastic syndrome; Hereditary Cancer Syndrome. Identifiers: Orphanet 140162, MedGen C0027672, MeSH D009386, MONDO:0015356.
BAP1-related tumor predisposition syndrome (TPDS1). Also called: Tumor susceptibility linked to germline BAP1 mutations; BAP1 tumor predisposition syndrome; TUMOR PREDISPOSITION SYNDROME 1; COMMON Syndrome. Identifiers: Orphanet 289539, MedGen C3280492, MONDO:0013692, OMIM 614327.

Allele frequency attached by ClinVar (database versions not stated): TOPMed below 0.00001; gnomAD exomes 0.00001; ExAC 0.00003.
gnomAD v4.1: 18 of 1,592,638 alleles (0.0011%); highest among the groups gnomAD compares: Non-Finnish European, 0.0015%; no homozygotes.

Submissions (3):

Labcorp Genetics (formerly Invitae), Labcorp
Classification: Likely benign for BAP1-related tumor predisposition syndrome. Last evaluated: 2025-09-25. Review status: criteria provided, single submitter. Criteria: Invitae Variant Classification Sherloc (09022015). Collection method: clinical testing. Allele origin: germline.

Myriad Genetics, Inc.
Classification: Benign for BAP1-related tumor predisposition syndrome. Last evaluated: 2024-07-11. Review status: criteria provided, single submitter. Criteria: Myriad Autosomal Dominant, Autosomal Recessive and X-Linked Classification Criteria (2023). Collection method: clinical testing. Allele origin: unknown.
Comment: This variant is considered benign. This variant is intronic and is not expected to impact mRNA splicing. This variant has been observed at a population frequency that is significantly greater than expected given the associated disease prevalence and penetrance.

Color Diagnostics, LLC DBA Color Health
Classification: Likely benign for Hereditary cancer-predisposing syndrome. Last evaluated: 2017-10-28. Review status: criteria provided, single submitter. Criteria: ACMG Guidelines, 2015. Collection method: clinical testing. Allele origin: germline.

NM_004656.4(BAP1):c.256-17T>C

Gene: BAP1 (BRCA1 associated deubiquitinase 1; minus strand). Cytogenetic location: 3p21.1.
Variant type: single nucleotide variant.
Coding change: c.256-17T>C on transcript NM_004656.4 (MANE Select); 17 bases into the intron before coding-DNA position 256, T replaced by C.
Molecular consequence: intron variant.
Genome position (GRCh38, 1-based): chr3:52,408,094, A>G on the plus strand (T>C on the coding strand, the complement: BAP1 is on the minus strand). VCF-style: chr3-52408094-A-G. GRCh37 (hg19) VCF-style: chr3-52442110-A-G.
Identifiers: ClinVar variation 629913 (VCV000629913.11), dbSNP rs543469377, ClinGen allele CA2437135.